The following is an entry in ClinVar:

ClinVar aggregate classification (germline): Likely pathogenic. Review status: criteria provided, multiple submitters, no conflicts (2 of 4 stars). 2 submissions from 2 submitters: Likely pathogenic (2). Last evaluated 2025-11-05.

Conditions:
Familial thoracic aortic aneurysm and aortic dissection (TAAD). Also called: Thoracic aortic aneurysms and dissections. Identifiers: Orphanet 91387, MedGen C4707243, MONDO:0019625.
Marfan syndrome (MFS). Also called: MARFAN SYNDROME, TYPE I; Marfan syndrome type 1; Marfan's syndrome; Marfan syndrome, classic; FBN1-Related Marfan Syndrome. Identifiers: Orphanet 284963, Orphanet 558, MedGen C0024796, MONDO:0007947, OMIM 154700.

Submissions (2):

Ambry Genetics
Classification: Likely pathogenic for Familial thoracic aortic aneurysm and aortic dissection. Last evaluated: 2025-11-05. Review status: criteria provided, single submitter. Criteria: Ambry Variant Classification Scheme 2023. Collection method: clinical testing. Allele origin: germline.
Comment: The p.C2176Y variant (also known as c.6527G>A), located in coding exon 53 of the FBN1 gene, results from a G to A substitution at nucleotide position 6527. The cysteine at codon 2176 is replaced by tyrosine, an amino acid with highly dissimilar properties. This variant was reported in individual(s) with features consistent with Marfan syndrome (Ambry internal data). The majority of FBN1 mutations identified to date have involved the substitution or generation of cysteine residues within cbEGF domains (Vollbrandt T et al. J Biol Chem. 2004;279(31):32924-32931). Internal structural analysis indicates this alteration eliminates a disulfide bond critical for the structural integrity of the cbEGF33 domain (Ambry internal data). This amino acid position is highly conserved in available vertebrate species. In addition, this alteration is predicted to be deleterious by in silico analysis. This variant is considered to be rare based on population cohorts in the Genome Aggregation Database (gnomAD). Based on the majority of available evidence to date, this variant is likely to be pathogenic.

Labcorp Genetics (formerly Invitae), Labcorp
Classification: Likely pathogenic for Marfan syndrome; Familial thoracic aortic aneurysm and aortic dissection. Last evaluated: 2024-06-05. Review status: criteria provided, single submitter. Criteria: Invitae Variant Classification Sherloc (09022015). Collection method: clinical testing. Allele origin: germline.
Comment: This sequence change replaces cysteine, which is neutral and slightly polar, with tyrosine, which is neutral and polar, at codon 2176 of the FBN1 protein (p.Cys2176Tyr). This variant is not present in population databases (gnomAD no frequency). This variant has not been reported in the literature in individuals affected with FBN1-related conditions. ClinVar contains an entry for this variant (Variation ID: 2001796). Advanced modeling of protein sequence and biophysical properties (such as structural, functional, and spatial information, amino acid conservation, physicochemical variation, residue mobility, and thermodynamic stability) performed at Invitae indicates that this missense variant is expected to disrupt FBN1 protein function with a positive predictive value of 95%. This variant affects a cysteine residue in the EGF-like, TGFBP or hybrid motif domains of FBN1. Cysteine residues are believed to be involved in intramolecular disulfide bridges and have been shown to be important for FBN1 protein structure (PMID: 16905551, 19349279). In addition, missense substitutions affecting cysteine residues within these domains are significantly overrepresented among patients with Marfan syndrome (PMID: 16571647, 17701892). In summary, the currently available evidence indicates that the variant is pathogenic, but additional data are needed to prove that conclusively. Therefore, this variant has been classified as Likely Pathogenic.

Literature cited by the submitters: PubMed 16905551 (cited by Labcorp Genetics (formerly Invitae), Labcorp); PubMed 19349279 (cited by Labcorp Genetics (formerly Invitae), Labcorp); PubMed 16571647 (cited by Labcorp Genetics (formerly Invitae), Labcorp); PubMed 17701892 (cited by Labcorp Genetics (formerly Invitae), Labcorp).

NM_000138.5(FBN1):c.6527G>A (p.Cys2176Tyr)

Gene: FBN1 (fibrillin 1; minus strand). Cytogenetic location: 15q21.1.
Variant type: single nucleotide variant.
Coding change: c.6527G>A on transcript NM_000138.5 (MANE Select); coding-DNA position 6527, G replaced by A.
Protein change: p.Cys2176Tyr; replaces cysteine 2176 with tyrosine.
Molecular consequence: missense variant.
Genome position (GRCh38, 1-based): chr15:48,434,683, C>T on the plus strand (G>A on the coding strand, the complement: FBN1 is on the minus strand). VCF-style: chr15-48434683-C-T. GRCh37 (hg19) VCF-style: chr15-48726880-C-T.
Other names: c.6527G>A, p.Cys2176Tyr (NM_001406716.1); short protein forms C2176Y.
Identifiers: ClinVar variation 2001796 (VCV002001796.5), dbSNP rs2505429599, ClinGen allele CA392335153.